The following is an entry in ClinVar:

ClinVar aggregate classification (germline): Uncertain significance. Review status: criteria provided, multiple submitters, no conflicts (2 of 4 stars). 2 submissions from 2 submitters: Uncertain significance (2). Last evaluated 2024-01-23.

Conditions:
Warburg micro syndrome 2 (WARBM2). Also called: MICRO SYNDROME 2. Identifiers: Orphanet 2510, MedGen C3280214, MONDO:0013641, OMIM 614225.
Martsolf syndrome (MARTS). Also called: Congenital cataract with intellectual disability and hypogonadotropic hypogonadism syndrome. Identifiers: Orphanet 1387, MedGen C0796037, MONDO:0023910.
Inborn genetic diseases. Identifiers: MedGen C0950123, MeSH D030342.

Allele frequency attached by ClinVar (database versions not stated): ExAC 0.00003; gnomAD 0.00004; TOPMed 0.00006; ESP Exome Variant Server 0.00008; 1000 Genomes Project 30x 0.00016; 1000 Genomes Project 0.00020.
gnomAD v4.1: 23 of 1,613,944 alleles (0.0014%); highest among the groups gnomAD compares: African/African-American, 0.017%; no homozygotes.

Submissions (2):

Ambry Genetics
Classification: Uncertain significance for Inborn genetic diseases. Last evaluated: 2024-01-23. Review status: criteria provided, single submitter. Criteria: Ambry Variant Classification Scheme 2023. Collection method: clinical testing. Allele origin: germline.

Labcorp Genetics (formerly Invitae), Labcorp
Classification: Uncertain significance for Martsolf syndrome; Warburg micro syndrome 2. Last evaluated: 2022-07-20. Review status: criteria provided, single submitter. Criteria: Invitae Variant Classification Sherloc (09022015). Collection method: clinical testing. Allele origin: germline.
Comment: Algorithms developed to predict the effect of missense changes on protein structure and function are either unavailable or do not agree on the potential impact of this missense change (SIFT: "Tolerated"; PolyPhen-2: "Possibly Damaging"; Align-GVGD: "Class C0"). This sequence change replaces threonine, which is neutral and polar, with serine, which is neutral and polar, at codon 1127 of the RAB3GAP2 protein (p.Thr1127Ser). This variant is present in population databases (rs374125147, gnomAD 0.03%). This variant has not been reported in the literature in individuals affected with RAB3GAP2-related conditions. In summary, the available evidence is currently insufficient to determine the role of this variant in disease. Therefore, it has been classified as a Variant of Uncertain Significance.

NM_012414.4(RAB3GAP2):c.3380C>G (p.Thr1127Ser)

Gene: RAB3GAP2 (RAB3 GTPase activating non-catalytic protein subunit 2; minus strand). Cytogenetic location: 1q41.
Variant type: single nucleotide variant.
Coding change: c.3380C>G on transcript NM_012414.4 (MANE Select); coding-DNA position 3380, C replaced by G.
Protein change: p.Thr1127Ser; replaces threonine 1127 with serine.
Molecular consequence: missense variant.
Genome position (GRCh38, 1-based): chr1:220,157,445, G>C on the plus strand (C>G on the coding strand, the complement: RAB3GAP2 is on the minus strand). VCF-style: chr1-220157445-G-C. GRCh37 (hg19) VCF-style: chr1-220330787-G-C.
Other names: c.3380C>G (NM_012414.3); short protein forms T1127S.
Identifiers: ClinVar variation 2046916 (VCV002046916.3), dbSNP rs374125147, ClinGen allele CA1402132.